The following is an entry in ClinVar:

NM_001039348.3(EFEMP1):c.640+6T>C

Gene: EFEMP1 (EGF-like fibulin extracellular matrix protein 1; minus strand). Cytogenetic location: 2p16.1.
Variant type: single nucleotide variant.
Coding change: c.640+6T>C on transcript NM_001039348.3 (MANE Select); 6 bases into the intron after coding-DNA position 640, T replaced by C.
Molecular consequence: intron variant.
Genome position (GRCh38, 1-based): chr2:55,881,606, A>G on the plus strand (T>C on the coding strand, the complement: EFEMP1 is on the minus strand). VCF-style: chr2-55881606-A-G. GRCh37 (hg19) VCF-style: chr2-56108741-A-G.
Other names: c.640+6T>C (NM_001039349.3).
Identifiers: ClinVar variation 336627 (VCV000336627.17), dbSNP rs192467647, ClinGen allele CA1668883.
Genomic context (GRCh38, chr2:55,881,606, plus strand): 5'-ATGCTTGAGGTTGAAACAGTTAAGGTACTCAAGACAGGACCGTGCTCACTGCACTGTGGT[A>G]CTTACCTACGCACTGCTCCCCTCGCTTCTGATATCCAGGAGGGCACTGACATGCAAAGGA-3'

ClinVar aggregate classification (germline): Benign/Likely benign. Review status: criteria provided, multiple submitters, no conflicts (2 of 4 stars). 4 submissions from 4 submitters: Benign (1); Likely benign (3). Last evaluated 2025-06-13.

Conditions:
Doyne honeycomb retinal dystrophy (DHRD). Also called: MALATTIA LEVENTINESE; DRUSEN, RADIAL, AUTOSOMAL DOMINANT; DOYNE HONEYCOMB DEGENERATION OF RETINA. Identifiers: Orphanet 75376, MedGen C1832174, MONDO:0007471, OMIM 126600.
EFEMP1-related disorder. Also called: EFEMP1-related condition.

Allele frequency attached by ClinVar (database versions not stated): gnomAD exomes 0.00004 and 0.00007; ExAC 0.00008; 1000 Genomes Project 30x 0.00031; gnomAD 0.00031 and 0.00035; TOPMed 0.00036; ESP Exome Variant Server 0.00038; 1000 Genomes Project 0.00040.
gnomAD v4.1: 114 of 1,613,428 alleles (0.0071%); highest among the groups gnomAD compares: African/African-American, 0.14%; no homozygotes.

Submissions (4):

Labcorp Genetics (formerly Invitae), Labcorp
Classification: Likely benign. Last evaluated: 2025-06-13. Review status: criteria provided, single submitter. Criteria: Invitae Variant Classification Sherloc (09022015). Collection method: clinical testing. Allele origin: germline.

PreventionGenetics, part of Exact Sciences
Classification: Likely benign for EFEMP1-related condition. Last evaluated: 2025-01-04. Review status: criteria provided, single submitter. Criteria: ACMG Guidelines, 2015. Collection method: clinical testing. Allele origin: germline.
Comment: This variant is classified as likely benign based on ACMG/AMP sequence variant interpretation guidelines (Richards et al. 2015 PMID: 25741868, with internal and published modifications).

Blueprint Genetics
Classification: Likely benign. Last evaluated: 2024-07-16. Review status: criteria provided, single submitter. Criteria: ACMG Guidelines, 2015. Collection method: clinical testing. Allele origin: germline.

Illumina Laboratory Services, Illumina
Classification: Benign for Doyne honeycomb retinal dystrophy. Last evaluated: 2018-01-12. Review status: criteria provided, single submitter. Criteria: ICSL Variant Classification Criteria 13 December 2019. Collection method: clinical testing. Allele origin: germline.
Comment: This variant was observed in the ICSL laboratory as part of a predisposition screen in an ostensibly healthy population. It had not been previously curated by ICSL or reported in the Human Gene Mutation Database (HGMD: prior to June 1st, 2018), and was therefore a candidate for classification through an automated scoring system. Utilizing variant allele frequency, disease prevalence and penetrance estimates, and inheritance mode, an automated score was calculated to assess if this variant is too frequent to cause the disease. Based on the score and internal cut-off values, a variant classified as benign is not then subjected to further curation. The score for this variant resulted in a classification of benign for this disease.